The following is an entry in ClinVar:

NM_016616.5(NME8):c.1216G>T (p.Val406Phe)

Gene: NME8 (NME/NM23 family member 8; plus strand). Cytogenetic location: 7p14.1.
Variant type: single nucleotide variant.
Coding change: c.1216G>T on transcript NM_016616.5 (MANE Select); coding-DNA position 1216, G replaced by T.
Protein change: p.Val406Phe; replaces valine 406 with phenylalanine.
Molecular consequence: missense variant.
Genome position (GRCh38, 1-based): chr7:37,885,221, G>T. VCF-style: chr7-37885221-G-T. GRCh37 (hg19) VCF-style: chr7-37924823-G-T.
Other names: short protein forms V406F.
Identifiers: ClinVar variation 2625374 (VCV002625374.3), dbSNP rs1032316700, ClinGen allele CA157131937.

ClinVar aggregate classification (germline): Uncertain significance. Review status: criteria provided, multiple submitters, no conflicts (2 of 4 stars). 2 submissions from 2 submitters: Uncertain significance (2). Last evaluated 2025-10-03.

Conditions:
Primary ciliary dyskinesia. Also called: Ciliary dyskinesia. Identifiers: Orphanet 244, MedGen C0008780, MONDO:0016575, HP:0012265.
Primary ciliary dyskinesia 6. Also called: Primary Ciliary Dyskinesia 6: TXNDC3-Related Primary Ciliary Dyskinesia. Identifiers: Orphanet 244, MedGen C1970506, MONDO:0012571, OMIM 610852.

Allele frequency attached by ClinVar (database versions not stated): gnomAD 0.00003; TOPMed 0.00003.
gnomAD v4.1: 16 of 1,612,820 alleles (0.00099%); highest among the groups gnomAD compares: African/African-American, 0.004%; no homozygotes.

Submissions (2):

Labcorp Genetics (formerly Invitae), Labcorp
Classification: Uncertain significance for Primary ciliary dyskinesia 6. Last evaluated: 2025-10-03. Review status: criteria provided, single submitter. Criteria: Invitae Variant Classification Sherloc (09022015). Collection method: clinical testing. Allele origin: germline.
Comment: This sequence change replaces valine, which is neutral and non-polar, with phenylalanine, which is neutral and non-polar, at codon 406 of the NME8 protein (p.Val406Phe). This variant is present in population databases (no rsID available, gnomAD 0.004%). This variant has not been reported in the literature in individuals affected with NME8-related conditions. ClinVar contains an entry for this variant (Variation ID: 2625374). Invitae Evidence Modeling of protein sequence and biophysical properties (such as structural, functional, and spatial information, amino acid conservation, physicochemical variation, residue mobility, and thermodynamic stability) has been performed for this missense variant. However, the output from this modeling did not meet the statistical confidence thresholds required to predict the impact of this variant on NME8 protein function. In summary, the available evidence is currently insufficient to determine the role of this variant in disease. Therefore, it has been classified as a Variant of Uncertain Significance.

Ambry Genetics
Classification: Uncertain significance for Primary ciliary dyskinesia. Last evaluated: 2023-08-30. Review status: criteria provided, single submitter. Criteria: Ambry Variant Classification Scheme 2023. Collection method: clinical testing. Allele origin: germline.
Comment: The p.V406F variant (also known as c.1216G>T), located in coding exon 12 of the NME8 gene, results from a G to T substitution at nucleotide position 1216. The valine at codon 406 is replaced by phenylalanine, an amino acid with highly similar properties. This amino acid position is conserved. In addition, this alteration is predicted to be tolerated by in silico analysis. Since supporting evidence is limited at this time, the clinical significance of this alteration remains unclear.